The following is an entry in ClinVar:

NM_006312.6(NCOR2):c.7296G>A (p.Ser2432=)

Gene: NCOR2 (nuclear receptor corepressor 2; minus strand). Cytogenetic location: 12q24.31.
Variant type: single nucleotide variant.
Coding change: c.7296G>A on transcript NM_006312.6 (MANE Select); coding-DNA position 7296, G replaced by A.
Protein change: p.Ser2432=; no amino-acid change (serine 2432 retained).
Molecular consequence: synonymous variant.
Genome position (GRCh38, 1-based): chr12:124,326,258, C>T on the plus strand (G>A on the coding strand, the complement: NCOR2 is on the minus strand). VCF-style: chr12-124326258-C-T. GRCh37 (hg19) VCF-style: chr12-124810804-C-T.
Other names: NC_000012.11:g.124810804C>T; c.7128G>A, p.Ser2376= (NM_001077261.4); c.7266G>A, p.Ser2422= (NM_001206654.2).
Identifiers: ClinVar variation 3050430 (VCV003050430.3), dbSNP rs187350105, ClinGen allele CA6867156.

ClinVar aggregate classification (germline): Benign (0 of 4 stars; one submission).

Conditions:
NCOR2-related disorder. Also called: NCOR2-related condition.

Allele frequency attached by ClinVar (database versions not stated): ExAC 0.00272; 1000 Genomes Project 0.00280; 1000 Genomes Project 30x 0.00312; ESP Exome Variant Server 0.00351; gnomAD 0.00382; TOPMed 0.00411.
gnomAD v4.1: 1,194 of 1,559,662 alleles (0.077%); highest among the groups gnomAD compares: African/African-American, 1.3%; 3 homozygotes.

Submissions (2):

PreventionGenetics, part of Exact Sciences
Classification: Benign for NCOR2-related condition. Last evaluated: 2019-04-02. Review status: no assertion criteria provided. Collection method: clinical testing. Allele origin: germline.
Comment: This variant is classified as benign based on ACMG/AMP sequence variant interpretation guidelines (Richards et al. 2015 PMID: 25741868, with internal and published modifications).

Dr. Peter K. Rogan Lab, Western University
No classification provided (evidence only). Condition: Uterine corpus endometrial carcinoma. Review status: no classification provided. Collection method: in vitro. Allele origin: not applicable. Functional consequence: retained intron. Not counted in ClinVar's aggregate classification.